The following is an entry in ClinVar:

ClinVar aggregate classification (germline): Conflicting classifications of pathogenicity. Review status: criteria provided, conflicting classifications (1 of 4 stars). 4 submissions from 4 submitters: Uncertain significance (1); Likely benign (3). Last evaluated 2026-03-09.

Conditions:
ZFYVE26-related disorder. Also called: ZFYVE26-related condition.
Spastic paraplegia. Identifiers: MedGen C0037772, HP:0001258.
Hereditary spastic paraplegia 15 (SPG15). Also called: SPASTIC PARAPLEGIA 15, AUTOSOMAL RECESSIVE; KJELLIN SYNDROME; SPASTIC PARAPLEGIA AND RETINAL DEGENERATION. Identifiers: Orphanet 100996, MedGen C1849128, MONDO:0010044, OMIM 270700.

Allele frequency attached by ClinVar (database versions not stated): ExAC 0.00008; gnomAD exomes 0.00009 and 0.00011; gnomAD 0.00014; ESP Exome Variant Server 0.00015; TOPMed 0.00015; 1000 Genomes Project 30x 0.00016; 1000 Genomes Project 0.00020.
gnomAD v4.1: 154 of 1,614,188 alleles (0.0095%); highest among the groups gnomAD compares: Middle Eastern, 0.45%; 2 homozygotes.

Submissions (4):

PreventionGenetics, part of Exact Sciences
Classification: Likely benign for ZFYVE26-related condition. Last evaluated: 2026-03-09. Review status: criteria provided, single submitter. Criteria: ACMG Guidelines, 2015. Collection method: clinical testing. Allele origin: germline.
Comment: This variant is classified as likely benign based on ACMG/AMP sequence variant interpretation guidelines (Richards et al. 2015 PMID: 25741868, with internal and published modifications).

Labcorp Genetics (formerly Invitae), Labcorp
Classification: Likely benign for Spastic paraplegia. Last evaluated: 2025-09-05. Review status: criteria provided, single submitter. Criteria: Invitae Variant Classification Sherloc (09022015). Collection method: clinical testing. Allele origin: germline.

Blueprint Genetics
Classification: Likely benign. Last evaluated: 2024-09-20. Review status: criteria provided, single submitter. Criteria: ACMG Guidelines, 2015. Collection method: clinical testing. Allele origin: germline.

Illumina Laboratory Services, Illumina
Classification: Uncertain significance for Hereditary spastic paraplegia 15. Last evaluated: 2018-01-15. Review status: criteria provided, single submitter. Criteria: ICSL Variant Classification Criteria 13 December 2019. Collection method: clinical testing. Allele origin: germline.

NM_015346.4(ZFYVE26):c.6918A>T (p.Thr2306=)

Gene: ZFYVE26 (zinc finger FYVE-type containing 26; minus strand). Cytogenetic location: 14q24.1.
Variant type: single nucleotide variant.
Coding change: c.6918A>T on transcript NM_015346.4 (MANE Select); coding-DNA position 6918, A replaced by T.
Protein change: p.Thr2306=; no amino-acid change (threonine 2306 retained).
Molecular consequence: synonymous variant.
Genome position (GRCh38, 1-based): chr14:67,755,119, T>A on the plus strand (A>T on the coding strand, the complement: ZFYVE26 is on the minus strand). VCF-style: chr14-67755119-T-A. GRCh37 (hg19) VCF-style: chr14-68221836-T-A.
Identifiers: ClinVar variation 458293 (VCV000458293.17), dbSNP rs146227863, ClinGen allele CA7239112.